The following is an entry in ClinVar:

NM_004698.4(PRPF3):c.1622T>C (p.Val541Ala)

Gene: PRPF3 (pre-mRNA processing factor 3; plus strand). Cytogenetic location: 1q21.2.
Variant type: single nucleotide variant.
Coding change: c.1622T>C on transcript NM_004698.4 (MANE Select); coding-DNA position 1622, T replaced by C.
Protein change: p.Val541Ala; replaces valine 541 with alanine.
Molecular consequence: missense variant. On other transcripts: non-coding transcript variant (4).
Genome position (GRCh38, 1-based): chr1:150,344,529, T>C. VCF-style: chr1-150344529-T-C. GRCh37 (hg19) VCF-style: chr1-150317005-T-C.
Other names: c.1217T>C, p.Val406Ala (NM_001350529.1); short protein forms V406A, V541A.
Identifiers: ClinVar variation 4780744 (VCV004780744.1).

ClinVar aggregate classification (germline): Uncertain significance (1 of 4 stars; one submission).

gnomAD v4.1: 1 of 1,613,850 alleles (0.000062%); highest among the groups gnomAD compares: Non-Finnish European, 0.000085%; no homozygotes.

Submission:

Labcorp Genetics (formerly Invitae), Labcorp
Classification: Uncertain significance. Last evaluated: 2025-06-15. Review status: criteria provided, single submitter. Criteria: Invitae Variant Classification Sherloc (09022015). Collection method: clinical testing. Allele origin: germline.
Comment: This sequence change replaces valine, which is neutral and non-polar, with alanine, which is neutral and non-polar, at codon 541 of the PRPF3 protein (p.Val541Ala). This variant is present in population databases (no rsID available, gnomAD 0.007%). This variant has not been reported in the literature in individuals affected with PRPF3-related conditions. Invitae Evidence Modeling of protein sequence and biophysical properties (such as structural, functional, and spatial information, amino acid conservation, physicochemical variation, residue mobility, and thermodynamic stability) has been performed for this missense variant. However, the output from this modeling did not meet the statistical confidence thresholds required to predict the impact of this variant on PRPF3 protein function. In summary, the available evidence is currently insufficient to determine the role of this variant in disease. Therefore, it has been classified as a Variant of Uncertain Significance.